The following is an entry in ClinVar:

NM_000038.6(APC):c.703T>C (p.Leu235=)

Gene: APC (APC regulator of Wnt signaling pathway; plus strand). Cytogenetic location: 5q22.2.
Variant type: single nucleotide variant.
Coding change: c.703T>C on transcript NM_000038.6 (MANE Select); coding-DNA position 703, T replaced by C.
Protein change: p.Leu235=; no amino-acid change (leucine 235 retained).
Molecular consequence: synonymous variant. On other transcripts: 5 prime UTR variant (1), intron variant (2).
Genome position (GRCh38, 1-based): chr5:112,792,503, T>C. VCF-style: chr5-112792503-T-C. GRCh37 (hg19) VCF-style: chr5-112128200-T-C.
Other names: c.703T>C, p.Leu235= (NM_001127510.3, NM_001354895.2, NM_001354896.2 and 1 more transcripts); c.733T>C, p.Leu245= (NM_001354897.2, NM_001354902.2); c.628T>C, p.Leu210= (NM_001354898.2, NM_001354904.2); c.526T>C, p.Leu176= (NM_001354900.2, NM_001354901.2, NM_001354905.2); c.-333T>C (NM_001354906.2); c.676-8776T>C (NM_001127511.3); c.646-8776T>C (NM_001354899.2).
Identifiers: ClinVar variation 233344 (VCV000233344.21), dbSNP rs750221991, ClinGen allele CA046732.

ClinVar aggregate classification (germline): Benign/Likely benign. Review status: criteria provided, multiple submitters, no conflicts (2 of 4 stars). 7 submissions from 7 submitters: Benign (1); Likely benign (6). Last evaluated 2025-10-18.

Conditions:
Classic or attenuated familial adenomatous polyposis. Identifiers: MedGen CN372698, MONDO:0021057.
Familial adenomatous polyposis 1 (FAP1). Also called: FAMILIAL ADENOMATOUS POLYPOSIS 1, ATTENUATED; POLYPOSIS, ADENOMATOUS INTESTINAL. Identifiers: MedGen C2713442, MONDO:0021056, OMIM 175100. Disease mechanism: loss of function.
Hereditary cancer-predisposing syndrome. Also called: Neoplastic Syndromes, Hereditary; Tumor predisposition; Hereditary Cancer Syndrome; Hereditary neoplastic syndrome. Identifiers: Orphanet 140162, MedGen C0027672, MeSH D009386, MONDO:0015356.

Allele frequency attached by ClinVar (database versions not stated): TOPMed 0.00001.
gnomAD v4.1: 6 of 1,612,734 alleles (0.00037%); highest among the groups gnomAD compares: Admixed American, 0.0083%; no homozygotes.

Submissions (7):

Women's Health and Genetics/Laboratory Corporation of America, LabCorp
Classification: Likely benign. Last evaluated: 2025-10-18. Review status: criteria provided, single submitter. Criteria: LabCorp Variant Classification Summary - May 2015. Collection method: clinical testing. Allele origin: germline.

Labcorp Genetics (formerly Invitae), Labcorp
Classification: Likely benign for Familial adenomatous polyposis 1. Last evaluated: 2025-03-18. Review status: criteria provided, single submitter. Criteria: Invitae Variant Classification Sherloc (09022015). Collection method: clinical testing. Allele origin: germline.

Myriad Genetics, Inc.
Classification: Benign for Familial adenomatous polyposis 1. Last evaluated: 2024-02-26. Review status: criteria provided, single submitter. Criteria: Myriad Autosomal Dominant, Autosomal Recessive and X-Linked Classification Criteria (2023). Collection method: clinical testing. Allele origin: unknown.
Comment: This variant is considered benign. This variant is a silent/synonymous amino acid change and it is not expected to impact splicing.

All of Us Research Program, National Institutes of Health
Classification: Likely benign for Classic or attenuated familial adenomatous polyposis. Last evaluated: 2024-02-05. Review status: criteria provided, single submitter. Criteria: ACMG Guidelines, 2015. Collection method: clinical testing. Allele origin: germline. Inheritance: Autosomal dominant inheritance. Observed: 5 variant alleles, 5 heterozygotes.
Comment: This study involves interpretation of variants in research participants for the purpose of population health screening. Participant phenotype was not available at the time of variant classification. Additional details can be found in publication PMID: 35346344, PMCID: PMC8962531

GeneDx
Classification: Likely benign. Last evaluated: 2017-11-10. Review status: criteria provided, single submitter. Criteria: GeneDx Variant Classification (06012015). Collection method: clinical testing. Allele origin: germline. Affected: yes.
Comment: This variant is considered likely benign or benign based on one or more of the following criteria: it is a conservative change, it occurs at a poorly conserved position in the protein, it is predicted to be benign by multiple in silico algorithms, and/or has population frequency not consistent with disease.

Color Diagnostics, LLC DBA Color Health
Classification: Likely benign for Hereditary cancer-predisposing syndrome. Last evaluated: 2017-09-26. Review status: criteria provided, single submitter. Criteria: ACMG Guidelines, 2015. Collection method: clinical testing. Allele origin: germline.

Ambry Genetics
Classification: Likely benign for Hereditary cancer-predisposing syndrome. Last evaluated: 2015-08-12. Review status: criteria provided, single submitter. Criteria: Ambry Variant Classification Scheme 2023. Collection method: clinical testing. Allele origin: germline.